The following is an entry in ClinVar:

NM_173628.4(DNAH17):c.5345C>T (p.Thr1782Ile)

Genes: DNAH17 (dynein axonemal heavy chain 17; minus strand), DNAH17-AS1 (DNAH17 antisense RNA 1; plus strand). Cytogenetic location: 17q25.3.
Variant type: single nucleotide variant.
Coding change: c.5345C>T on transcript NM_173628.4 (MANE Select); coding-DNA position 5345, C replaced by T.
Protein change: p.Thr1782Ile; replaces threonine 1782 with isoleucine.
Molecular consequence: missense variant. On other transcripts: non-coding transcript variant (1).
Genome position (GRCh38, 1-based): chr17:78,501,322, G>A on the plus strand (C>T on the coding strand, the complement: DNAH17 is on the minus strand). VCF-style: chr17-78501322-G-A. GRCh37 (hg19) VCF-style: chr17-76497404-G-A.
Other names: short protein forms T1782I.
Identifiers: ClinVar variation 3041515 (VCV003041515.2), dbSNP rs61740065, ClinGen allele CA8803290.

ClinVar aggregate classification (germline): Benign (0 of 4 stars; one submission).

Conditions:
DNAH17-related disorder. Also called: DNAH17-related condition.

Allele frequency attached by ClinVar (database versions not stated): ExAC 0.00853; ESP Exome Variant Server 0.02872; TOPMed 0.02979; 1000 Genomes Project 0.03095; 1000 Genomes Project 30x 0.03357.
gnomAD v4.1: 8,048 of 1,601,490 alleles (0.5%); highest among the groups gnomAD compares: African/African-American, 9.2%; 332 homozygotes.

Submission:

PreventionGenetics, part of Exact Sciences
Classification: Benign for DNAH17-related condition. Last evaluated: 2020-01-28. Review status: no assertion criteria provided. Collection method: clinical testing. Allele origin: germline.
Comment: This variant is classified as benign based on ACMG/AMP sequence variant interpretation guidelines (Richards et al. 2015 PMID: 25741868, with internal and published modifications).